The following is an entry in ClinVar:

NM_001267550.2(TTN):c.8307_8308del (p.Ala2770fs)

Gene: TTN (titin; minus strand). Cytogenetic location: 2q31.2.
Variant type: Microsatellite.
Coding change: c.8307_8308del on transcript NM_001267550.2 (MANE Select); coding-DNA positions 8307 to 8308, 2 bases deleted (TG; older notation c.8307_8308delTG).
Protein change: p.Ala2770fs; shifts the reading frame from alanine 2770.
Molecular consequence: frameshift variant.
Genome position (GRCh38, 1-based): chr2:178,770,484-178,770,485, CA deleted on the plus strand (TG on the coding strand, the reverse complement: TTN is on the minus strand); deleting any 2 consecutive bases within chr2:178,770,484-178,770,487 gives the same sequence; the c. name uses the placement nearest the transcript's 3' end. VCF-style (leftmost placement, unchanged base first): chr2-178770483-GCA-G. GRCh37 (hg19) VCF-style: chr2-179635210-GCA-G.
Other names: c.8307_8308delTG (NM_133378.4, LRG_391t1); c.8307_8308del, p.Ala2770fs (NM_001256850.1, NM_133378.4, NM_133379.5); c.8169_8170del, p.Ala2724fs (NM_003319.4, NM_133432.3, NM_133437.4); c.8169_8170delTG (NM_003319.4); short protein forms A2724fs, A2770fs.
Identifiers: ClinVar variation 223266 (VCV000223266.13), dbSNP rs869312037, ClinGen allele CA353163.
Genomic context (GRCh38, chr2:178,770,483, plus strand): 5'-AGTCTGGCACTGGCTCCAAGCCTTCCAAGCCTGAAGCCATAAACAGACTCATCCACGATG[GCA>G]CAGTTTTTAATCCTCAGAGAGTAAATTGTTCCTTTGACAGAGATAGCATACTTTTCATTG-3'

ClinVar aggregate classification (germline): Likely pathogenic. Review status: criteria provided, multiple submitters, no conflicts (2 of 4 stars). 4 submissions from 4 submitters: Likely pathogenic (4). Last evaluated 2025-11-17.

Conditions:
Cardiovascular phenotype. Identifiers: MedGen CN230736.
Dilated cardiomyopathy 1G (CMD1G). Identifiers: Orphanet 154, MedGen C1858763, MONDO:0011400, OMIM 604145.
Autosomal recessive limb-girdle muscular dystrophy type 2J (LGMDR10). Also called: Limb-girdle muscular dystrophy, type 2J; MUSCULAR DYSTROPHY, LIMB-GIRDLE, AUTOSOMAL RECESSIVE 10. Identifiers: Orphanet 140922, MedGen C1837342, MONDO:0012127, OMIM 608807.
Primary dilated cardiomyopathy (DCM). Also called: Dilated Cardiomyopathy. Identifiers: Orphanet 217604, MedGen C0007193, MeSH D002311, MONDO:0005021, HP:0001644. Inheritance: Various modes of inheritance.

Submissions (4):

Labcorp Genetics (formerly Invitae), Labcorp
Classification: Likely pathogenic for Dilated cardiomyopathy 1G; Autosomal recessive limb-girdle muscular dystrophy type 2J. Last evaluated: 2025-11-17. Review status: criteria provided, single submitter. Criteria: Invitae Variant Classification Sherloc (09022015). Collection method: clinical testing. Allele origin: germline.
Comment: This sequence change creates a premature translational stop signal (p.Ala2770Hisfs*4) in the TTN gene. While this is not anticipated to result in nonsense mediated decay, it is expected to create a truncated TTN protein. This variant is not present in population databases (gnomAD no frequency). This premature translational stop signal has been observed in individual(s) with clinical features of dilated or noncompaction cardiomyopathy (PMID: 25589632, 30847666, 31983221, 36264615, 37652022). ClinVar contains an entry for this variant (Variation ID: 223266). This variant is located in the I band of TTN (PMID: 25589632). Truncating variants in this region have been reported in individuals affected with autosomal recessive centronuclear myopathy (PMID: 23975875, internal data). Truncating variants in this region have also been identified in individuals affected with autosomal dominant dilated cardiomyopathy and/or cardio-related conditions (PMID: 27869827, 32964742, internal data). In summary, the currently available evidence indicates that the variant is pathogenic, but additional data are needed to prove that conclusively. Therefore, this variant has been classified as Likely Pathogenic.

Ambry Genetics
Classification: Likely pathogenic for Cardiovascular phenotype. Last evaluated: 2025-03-13. Review status: criteria provided, single submitter. Criteria: Ambry Variant Classification Scheme 2023. Collection method: clinical testing. Allele origin: germline.
Comment: The c.8169_8170delTG variant, located in coding exon 33 of the TTN gene, results from a deletion of two nucleotides at nucleotide positions 8169 to 8170, causing a translational frameshift with a predicted alternate stop codon (p.A2724Hfs*4). This exon is located in the I-band region of the N2-B isoform of the titin protein and is constitutively expressed in TTN transcripts (percent spliced in or PSI 100%). This variant (also referred to as c.8307_8308delTG, p.A2770Hfs*4) has been detected in an individual from a dilated cardiomyopathy (DCM) cohort, a DCM genetic testing diagnostic referral cohort, and in an individual indicated to have noncompaction cardiomyopathy (Roberts AM et al. Sci Transl Med, 2015 Jan;7:270ra6; van Lint FHM et al. Neth Heart J, 2019 Jun;27:304-309; Mazzarotto F et al. Circulation, 2020 Feb;141:387-398). This variant is considered to be rare based on population cohorts in the Genome Aggregation Database (gnomAD). This variant is expected to result in loss of function by premature protein truncation or nonsense-mediated mRNA decay. While truncating variants in TTN are present in 1-3% of the general population, truncating variants in the A-band are the most common cause of dilated cardiomyopathy (Herman DS et al. N. Engl. J. Med., 2012 Feb;366:619-28; Roberts AM et al. Sci Transl Med, 2015 Jan;7:270ra6). TTN truncating variants encoded in constitutive exons (PSI >90%) have been found to be significantly associated with DCM regardless of their position in titin (Schafer S et al. Nat. Genet., 2017 01;49:46-53; Akhtar MM et al. Circ Heart Fail, 2020 Oct;13:e006832; Massier M et al. Clin Genet, 2025 Jan). Based on the majority of available evidence to date, this variant is likely to be pathogenic.

Laboratory for Molecular Medicine, Mass General Brigham Personalized Medicine
Classification: Likely pathogenic for Primary dilated cardiomyopathy. Last evaluated: 2018-10-10. Review status: criteria provided, single submitter. Criteria: LMM Criteria. Collection method: clinical testing. Allele origin: germline. Inheritance: Autosomal dominant inheritance. Observed: 1 variant allele.
Comment: The p.Ala2770fs variant in TTN has been reported in 1 individual with DCM (Rober ts 2015) and was absent from large population studies. This variant is predicted to cause a frameshift, which alters the protein?s amino acid sequence beginning at position 2770 and leads to a premature termination codon 4 amino acids downs tream. This alteration is then predicted to lead to a truncated or absent protei n. Frameshift and other truncating variants in TTN are strongly associated with DCM if they are located in the exons encoding for the A-band (Herman 2012, Pugh 2014) and/or are located in an exon that is highly expressed in the heart (Rober ts 2015). The p.Ala2770fs variant is located in the I-band in the highly express ed exon 35. In summary, although additional studies are required to fully establ ish its clinical significance, the p.Ala2770fs variant is likely pathogenic. ACM G/AMP Criteria applied: PVS1, PM2.

Cardiovascular Biomedical Research Unit, Royal Brompton & Harefield NHS Foundation Trust
Classification: Likely pathogenic for Primary dilated cardiomyopathy. Last evaluated: 2014-10-08. Review status: criteria provided, single submitter. Criteria: Roberts et al. 2015. Collection method: research. Allele origin: germline. Inheritance: Autosomal dominant inheritance. Affected: yes. Observed: 1 variant allele. Study: Unselected DCM.
Comment: In the seven cohorts assessed, TTNtv were found in 14% of ambulant DCM, 22% end-stage or familial DCM, and 2% controls. Heterozygous nonsense, frameshift and canonical splice-disrupting variants found in constitutive and other highly utilised exons are highly likely to be pathogenic when identified in individuals with phenotypically confirmed DCM. TTNtv found incidentally in healthy individuals (excluding familial assessment of DCM relatives) are thought to have low penetrance, particularly when identified in exons that are not constitutively expressed in the heart.

Literature cited by the submitters: PubMed 25589632 (cited by 3 submitters); PubMed 30847666 (cited by Labcorp Genetics (formerly Invitae), Labcorp and Ambry Genetics); PubMed 31983221 (cited by Labcorp Genetics (formerly Invitae), Labcorp and Ambry Genetics); PubMed 36264615 (cited by Labcorp Genetics (formerly Invitae), Labcorp); PubMed 37652022 (cited by Labcorp Genetics (formerly Invitae), Labcorp); PubMed 23975875 (cited by Labcorp Genetics (formerly Invitae), Labcorp); PubMed 27869827 (cited by Labcorp Genetics (formerly Invitae), Labcorp); PubMed 32964742 (cited by Labcorp Genetics (formerly Invitae), Labcorp).